The following is an entry in ClinVar:

ClinVar aggregate classification (germline): Benign. Review status: criteria provided, single submitter (1 of 4 stars). 2 submissions from 2 submitters: Benign (1). 1 of the submissions does not count toward it. Last evaluated 2017-11-01.

Conditions:
PKD1-related disorder. Also called: PKD1-related condition.

Allele frequency attached by ClinVar (database versions not stated): gnomAD exomes 0.00008 and 0.00017; ExAC 0.00018; 1000 Genomes Project 30x 0.00078; gnomAD 0.00103 and 0.00108; TOPMed 0.00112.
gnomAD v4.1: 261 of 1,461,146 alleles (0.018%); highest among the groups gnomAD compares: African/African-American, 0.33%; no homozygotes.

Submissions (2):

Athena Diagnostics
Classification: Benign. Last evaluated: 2017-11-01. Review status: criteria provided, single submitter. Criteria: Athena Diagnostics Criteria. Collection method: clinical testing. Allele origin: germline.

PreventionGenetics, part of Exact Sciences
Classification: Likely benign for PKD1-related condition. Last evaluated: 2020-12-08. Review status: no assertion criteria provided. Collection method: clinical testing. Allele origin: germline. Not counted in ClinVar's aggregate classification.
Comment: This variant is classified as likely benign based on ACMG/AMP sequence variant interpretation guidelines (Richards et al. 2015 PMID: 25741868, with internal and published modifications).

NM_001009944.3(PKD1):c.2266G>A (p.Ala756Thr)

Gene: PKD1 (polycystin 1, transient receptor potential channel interacting; minus strand). Cytogenetic location: 16p13.3.
Variant type: single nucleotide variant.
Coding change: c.2266G>A on transcript NM_001009944.3 (MANE Select); coding-DNA position 2266, G replaced by A.
Protein change: p.Ala756Thr; replaces alanine 756 with threonine.
Molecular consequence: missense variant.
Genome position (GRCh38, 1-based): chr16:2,114,757, C>T on the plus strand (G>A on the coding strand, the complement: PKD1 is on the minus strand). VCF-style: chr16-2114757-C-T. GRCh37 (hg19) VCF-style: chr16-2164758-C-T.
Other names: c.2266G>A, p.Ala756Thr (NM_000296.4); c.2266G>A (NM_001009944.2); short protein forms A756T.
Identifiers: ClinVar variation 586257 (VCV000586257.4), dbSNP rs763021570, ClinGen allele CA7833247.